The following is an entry in ClinVar:

NM_032638.5(GATA2):c.1141A>G (p.Asn381Asp)

Gene: GATA2 (GATA binding protein 2; minus strand). Cytogenetic location: 3q21.3.
Variant type: single nucleotide variant.
Coding change: c.1141A>G on transcript NM_032638.5 (MANE Select); coding-DNA position 1141, A replaced by G.
Protein change: p.Asn381Asp; replaces asparagine 381 with aspartic acid.
Molecular consequence: missense variant.
Genome position (GRCh38, 1-based): chr3:128,481,821, T>C on the plus strand (A>G on the coding strand, the complement: GATA2 is on the minus strand). VCF-style: chr3-128481821-T-C. GRCh37 (hg19) VCF-style: chr3-128200664-T-C.
Other names: c.1141A>G, p.Asn381Asp (NM_001145661.2); c.1099A>G, p.Asn367Asp (NM_001145662.1); short protein forms N367D, N381D.
Identifiers: ClinVar variation 2953212 (VCV002953212.3), dbSNP rs2472920694, ClinGen allele CA354413451.

ClinVar aggregate classification (germline): Uncertain significance (1 of 4 stars; one submission).

Conditions:
Deafness-lymphedema-leukemia syndrome. Also called: Lymphedema, primary, with myelodysplasia; Emberger syndrome. Identifiers: Orphanet 3226, MedGen C3279664, MONDO:0013540, OMIM 614038.
Monocytopenia with susceptibility to infections. Also called: MONOCYTOPENIA AND MYCOBACTERIAL INFECTION SYNDROME; MONOCYTOPENIA WITH SUSCEPTIBILITY TO MYCOBACTERIAL, FUNGAL, AND PAPILLOMAVIRUS INFECTIONS AND MYELODYSPLASIA; COMBINED IMMUNODEFICIENCY WITH SUSCEPTIBILITY TO MYCOBACTERIAL, VIRAL, AND FUNGAL INFECTIONS; Dendritic cell, monocyte, B lymphocyte, and natural killer lymphocyte deficiency; IMMUNODEFICIENCY 21; GATA2 DEFICIENCY. Identifiers: Orphanet 228423, MedGen C3280030, MONDO:0013607, OMIM 614172.

Submission:

Labcorp Genetics (formerly Invitae), Labcorp
Classification: Uncertain significance for Monocytopenia with susceptibility to infections; Deafness-lymphedema-leukemia syndrome. Last evaluated: 2023-10-23. Review status: criteria provided, single submitter. Criteria: Invitae Variant Classification Sherloc (09022015). Collection method: clinical testing. Allele origin: germline.
Comment: This sequence change replaces asparagine, which is neutral and polar, with aspartic acid, which is acidic and polar, at codon 381 of the GATA2 protein (p.Asn381Asp). This variant is not present in population databases (gnomAD no frequency). This variant has not been reported in the literature in individuals affected with GATA2-related conditions. An algorithm developed to predict the effect of missense changes on protein structure and function (PolyPhen-2) suggests that this variant is likely to be disruptive. In summary, the available evidence is currently insufficient to determine the role of this variant in disease. Therefore, it has been classified as a Variant of Uncertain Significance.